The following is an entry in ClinVar:

NM_170682.4(P2RX2):c.307del (p.Glu103fs)

Gene: P2RX2 (purinergic receptor P2X 2; plus strand). Cytogenetic location: 12q24.33.
Variant type: Deletion.
Coding change: c.307del on transcript NM_170682.4 (MANE Select); coding-DNA position 307, one base deleted (G; older notation c.307delG).
Protein change: p.Glu103fs; shifts the reading frame from glutamic acid 103.
Molecular consequence: frameshift variant. On other transcripts: intron variant (1).
Genome position (GRCh38, 1-based): chr12:132,619,572, G deleted. VCF-style (leftmost placement, unchanged base first): chr12-132619571-CG-C. GRCh37 (hg19) VCF-style: chr12-133196157-CG-C.
Other names: c.307del, p.Glu103fs (NM_001282164.2, NM_001282165.2, NM_016318.4 and 2 more transcripts); c.239del, p.Arg80fs (NM_012226.5); c.106-272del (NM_174872.3); c.307delG (NM_174873.2); short protein forms E103fs, R80fs.
Identifiers: ClinVar variation 1306278 (VCV001306278.7), dbSNP rs1431818867, ClinGen allele CA685559086.
Genomic context (GRCh38, chr12:132,619,571, plus strand): 5'-CAAGGGGATCACCACGTCCGAGCACAAAGTGTGGGACGTGGAGGAGTACGTGAAGCCCCC[CG>C]AGGTGCGGGCCGCCCCCTGCCCCCCGCCCCGCCGTGCACCCTACCCTAGTGGGCGGAGGG-3'

ClinVar aggregate classification (germline): Uncertain significance. Review status: criteria provided, multiple submitters, no conflicts (2 of 4 stars). 2 submissions from 2 submitters: Uncertain significance (2). Last evaluated 2026-09-23.

Conditions:
P2RX2-related disorder. Also called: P2RX2-related condition.

Allele frequency attached by ClinVar (database versions not stated): TOPMed 0.00002; gnomAD 0.00001.

Submissions (2):

GeneDx
Classification: Uncertain significance. Last evaluated: 2026-09-23. Review status: criteria provided, single submitter. Criteria: GeneDx Variant Classification Process June 2021. Collection method: clinical testing. Allele origin: germline.
Comment: Frameshift variant predicted to result in protein truncation or nonsense mediated decay in a gene or region of a gene for which loss of function is not a well-established mechanism of disease; Not observed at significant frequency in large population cohorts (gnomAD); Has not been previously published as pathogenic or benign to our knowledge

PreventionGenetics, part of Exact Sciences
Classification: Uncertain significance for P2RX2-related condition. Last evaluated: 2026-03-11. Review status: criteria provided, single submitter. Criteria: ACMG Guidelines, 2015. Collection method: clinical testing. Allele origin: germline.
Comment: The P2RX2 c.307delG variant is predicted to result in a frameshift and premature protein termination (p.Glu103Argfs*27). To our knowledge, this variant has not been reported in the literature or in a large population database (gnomAD), indicating this variant is rare. At this time, the clinical significance of this variant is uncertain due to the absence of conclusive functional and genetic evidence.